The following is an entry in ClinVar:

NM_015335.5(MED13L):c.538del (p.Ser180fs)

Gene: MED13L (mediator complex subunit 13L; minus strand). Cytogenetic location: 12q24.21.
Variant type: Deletion.
Coding change: c.538del on transcript NM_015335.5 (MANE Select); coding-DNA position 538, one base deleted (A; older notation c.538delA).
Protein change: p.Ser180fs; shifts the reading frame from serine 180.
Molecular consequence: frameshift variant.
Genome position (GRCh38, 1-based): chr12:116,022,543, T deleted on the plus strand (A on the coding strand, the reverse complement: MED13L is on the minus strand); the first of 2 consecutive T bases (chr12:116,022,543-116,022,544); deleting either gives the same sequence. VCF-style (leftmost placement, unchanged base first): chr12-116022542-CT-C. GRCh37 (hg19) VCF-style: chr12-116460347-CT-C.
Other names: short protein forms S180fs.
Identifiers: ClinVar variation 4880586 (VCV004880586.2).

ClinVar aggregate classification (germline): Likely pathogenic (1 of 4 stars; one submission).

Conditions:
Cardiac anomalies - developmental delay - facial dysmorphism syndrome (MRFACD). Also called: MED13L Syndrome; Impaired intellectual development and distinctive facial features with or without cardiac defects. Identifiers: Orphanet 369891, MedGen C5192431, MONDO:0014773, OMIM 616789.

Submission:

Dasa
Classification: Likely pathogenic for Cardiac anomalies - developmental delay - facial dysmorphism syndrome. Last evaluated: 2025-10-03. Review status: criteria provided, single submitter. Criteria: DASA Assertion Criteria. Collection method: clinical testing. Allele origin: germline.
Comment: NM_015335.5(MED13L):c.538del (p.Ser180Valfs*12) is a frameshift variant in MED13L predicted to alter the reading frame and introduce a premature termination codon and is predicted to result in an absent or altered protein product. Loss of function is an established disease mechanism for MED13L (PMID: 24781760; PMID: 25712080; PMID: 25106414). Also, this variant is absent from population databases. Based on the currently available evidence, this variant is classified as likely pathogenic.

Literature cited by the submitters: PubMed 24781760; PubMed 25712080; PubMed 25106414.